The following is an entry in ClinVar:

NM_033004.4(NLRP1):c.4208T>C (p.Leu1403Pro)

Gene: NLRP1 (NLR family pyrin domain containing 1; minus strand). Cytogenetic location: 17p13.2.
Variant type: single nucleotide variant.
Coding change: c.4208T>C on transcript NM_033004.4 (MANE Select); coding-DNA position 4208, T replaced by C.
Protein change: p.Leu1403Pro; replaces leucine 1403 with proline.
Molecular consequence: missense variant. On other transcripts: intron variant (1).
Genome position (GRCh38, 1-based): chr17:5,514,968, A>G on the plus strand (T>C on the coding strand, the complement: NLRP1 is on the minus strand). VCF-style: chr17-5514968-A-G. GRCh37 (hg19) VCF-style: chr17-5418288-A-G.
Other names: c.4076T>C, p.Leu1359Pro (NM_014922.5); c.4118T>C, p.Leu1373Pro (NM_033006.4); c.3986T>C, p.Leu1329Pro (NM_033007.4); c.4069+2778T>C (NM_001033053.3); short protein forms L1329P, L1373P, L1403P, L1359P.
Identifiers: ClinVar variation 1475104 (VCV001475104.9), dbSNP rs775762000, ClinGen allele CA8326607.

ClinVar aggregate classification (germline): Uncertain significance. Review status: criteria provided, multiple submitters, no conflicts (2 of 4 stars). 2 submissions from 2 submitters: Uncertain significance (2). Last evaluated 2022-11-28.

Allele frequency attached by ClinVar (database versions not stated): gnomAD exomes below 0.00001 and 0.00001; TOPMed below 0.00001; ExAC 0.00001.
gnomAD v4.1: 11 of 1,614,178 alleles (0.00068%); highest among the groups gnomAD compares: Non-Finnish European, 0.00093%; no homozygotes.

Submissions (2):

Blueprint Genetics
Classification: Uncertain significance. Last evaluated: 2022-11-28. Review status: criteria provided, single submitter. Criteria: ACMG Guidelines, 2015. Collection method: clinical testing. Allele origin: germline.

Labcorp Genetics (formerly Invitae), Labcorp
Classification: Uncertain significance. Last evaluated: 2022-06-20. Review status: criteria provided, single submitter. Criteria: Invitae Variant Classification Sherloc (09022015). Collection method: clinical testing. Allele origin: germline.
Comment: This variant has not been reported in the literature in individuals affected with NLRP1-related conditions. In summary, the available evidence is currently insufficient to determine the role of this variant in disease. Therefore, it has been classified as a Variant of Uncertain Significance. Algorithms developed to predict the effect of missense changes on protein structure and function are either unavailable or do not agree on the potential impact of this missense change (SIFT: "Deleterious"; PolyPhen-2: "Probably Damaging"; Align-GVGD: "Class C0"). This variant is present in population databases (rs775762000, gnomAD 0.0009%). This sequence change replaces leucine, which is neutral and non-polar, with proline, which is neutral and non-polar, at codon 1403 of the NLRP1 protein (p.Leu1403Pro).